The following is an entry in ClinVar:

NM_001349253.2(SCN11A):c.3393+1G>T

Gene: SCN11A (sodium voltage-gated channel alpha subunit 11; minus strand). Cytogenetic location: 3p22.2.
Variant type: single nucleotide variant.
Coding change: c.3393+1G>T on transcript NM_001349253.2 (MANE Select); the canonical splice donor site of the intron after coding-DNA position 3393, G replaced by T.
Molecular consequence: splice donor variant.
Genome position (GRCh38, 1-based): chr3:38,879,949, C>A on the plus strand (G>T on the coding strand, the complement: SCN11A is on the minus strand). VCF-style: chr3-38879949-C-A. GRCh37 (hg19) VCF-style: chr3-38921440-C-A.
Other names: c.3393+1G>T (NM_014139.3).
Identifiers: ClinVar variation 856334 (VCV000856334.8), dbSNP rs768826766, ClinGen allele CA2321819.

ClinVar aggregate classification (germline): Uncertain significance. Review status: criteria provided, multiple submitters, no conflicts (2 of 4 stars). 2 submissions from 2 submitters: Uncertain significance (2). Last evaluated 2025-08-18.

Conditions:
SCN11A-related disorder. Also called: SCN11A-related condition.
Hereditary sensory and autonomic neuropathy type 7. Also called: HSAN VII; Neuropathy, hereditary sensory and autonomic, type VII. Identifiers: Orphanet 391397, MedGen C3809882, MONDO:0014244, OMIM 615548.
Familial episodic pain syndrome with predominantly lower limb involvement. Also called: Episodic pain syndrome, familial, 3. Identifiers: Orphanet 391384, Orphanet 391392, MedGen C3809899, MONDO:0014247, OMIM 615552.

Allele frequency attached by ClinVar (database versions not stated): ExAC 0.00001; gnomAD exomes 0.00001; TOPMed 0.00003.

Submissions (2):

Labcorp Genetics (formerly Invitae), Labcorp
Classification: Uncertain significance for Familial episodic pain syndrome with predominantly lower limb involvement; Hereditary sensory and autonomic neuropathy type 7. Last evaluated: 2025-08-18. Review status: criteria provided, single submitter. Criteria: Invitae Variant Classification Sherloc (09022015). Collection method: clinical testing. Allele origin: germline.
Comment: This sequence change affects a donor splice site in intron 19 of the SCN11A gene. It is expected to disrupt RNA splicing. Variants that disrupt the donor or acceptor splice site typically lead to a loss of protein function (PMID: 16199547), however the current clinical and genetic evidence is not sufficient to establish whether loss-of-function variants in SCN11A cause disease. This variant is present in population databases (rs768826766, gnomAD 0.004%). This variant has not been reported in the literature in individuals affected with SCN11A-related conditions. ClinVar contains an entry for this variant (Variation ID: 856334). Algorithms developed to predict the effect of sequence changes on RNA splicing suggest that this variant may disrupt the consensus splice site. In summary, the available evidence is currently insufficient to determine the role of this variant in disease. Therefore, it has been classified as a Variant of Uncertain Significance.

PreventionGenetics, part of Exact Sciences
Classification: Uncertain significance for SCN11A-related condition. Last evaluated: 2025-06-19. Review status: criteria provided, single submitter. Criteria: ACMG Guidelines, 2015. Collection method: clinical testing. Allele origin: germline.
Comment: The SCN11A c.3393+1G>T variant is predicted to disrupt the GT donor site and interfere with normal splicing. To our knowledge, this variant has not been reported in the literature. This variant is reported in 0.0039% of alleles in individuals of European (non-Finnish) descent in gnomAD. Gain-of-function variants in this gene have been associated with disease; it is yet unclear whether or not loss-of-function variants have any effect on phenotype (Zhang et al. 2013. PubMed ID: 24207120). Many loss-of-function variants in SCN11A have been reported in the gnomAD database, indicating these variants are likely not causative for autosomal dominant disorders (pLI=0). At this time, the clinical significance of this variant is uncertain due to the absence of conclusive functional and genetic evidence.

Literature cited by the submitters: PubMed 16199547 (cited by Labcorp Genetics (formerly Invitae), Labcorp).